The following is an entry in ClinVar:

ClinVar aggregate classification (germline): Uncertain significance (1 of 4 stars; one submission).

Submission:

CeGaT Center for Human Genetics Tuebingen
Classification: Uncertain significance. Last evaluated: 2024-01-01. Review status: criteria provided, single submitter. Criteria: CeGaT Center For Human Genetics Tuebingen Variant Classification Criteria Version 2. Collection method: clinical testing. Allele origin: germline. Affected: yes. Observed: 1 variant allele.
Comment: EYS: PM2, BP4

NM_001142800.2(EYS):c.7568G>T (p.Gly2523Val)

Gene: EYS (EGF-like photoreceptor maintenance factor; minus strand). Cytogenetic location: 6q12.
Variant type: single nucleotide variant.
Coding change: c.7568G>T on transcript NM_001142800.2 (MANE Select); coding-DNA position 7568, G replaced by T.
Protein change: p.Gly2523Val; replaces glycine 2523 with valine.
Molecular consequence: missense variant.
Genome position (GRCh38, 1-based): chr6:63,789,068, C>A on the plus strand (G>T on the coding strand, the complement: EYS is on the minus strand). VCF-style: chr6-63789068-C-A. GRCh37 (hg19) VCF-style: chr6-64498961-C-A.
Other names: c.7568G>T, p.Gly2523Val (NM_001292009.2); short protein forms G2523V.
Identifiers: ClinVar variation 3026938 (VCV003026938.22), dbSNP rs1266932220, ClinGen allele CA364385588.
Genomic context (GRCh38, chr6:63,789,068, plus strand): 5'-ATATACTAGTGCTCTCAGTTTGTGGAAGTGACGAAGGAATGACTCTTTACCTTCAGCCAG[C>A]CCTCTTGGAAGAACTTGCCCAGATGAACAGTGTGGACTCCAAGGCTCAGATTGAGGGGCT-3'
Protein context (NP_001136272.1, residues 2513-2533): TVHLGKFFQE[Gly2523Val]WLKVDDHKNK